The following is an entry in ClinVar:

ClinVar aggregate classification (germline): Pathogenic (1 of 4 stars; one submission).

Conditions:
Glycogen storage disease, type VII (GSD7). Also called: PFKM DEFICIENCY; TARUI DISEASE; GSD VII; MUSCLE PHOSPHOFRUCTOKINASE DEFICIENCY. Identifiers: Orphanet 371, MedGen C0017926, MONDO:0009295, OMIM 232800.

Submission:

Myriad Genetics, Inc.
Classification: Pathogenic for Glycogen storage disease, type VII. Last evaluated: 2024-05-14. Review status: criteria provided, single submitter. Criteria: Myriad Autosomal Dominant, Autosomal Recessive and X-Linked Classification Criteria (2023). Collection method: clinical testing. Allele origin: unknown.
Comment: NM_001166686.1(PFKM):c.467delG(G156Efs*22) is expected to be pathogenic in the context of glycogen storage disease, PFKM-related. This variant is predicted to lead to an abnormal or absent protein product due to the creation of a premature termination codon in PFKM, a gene where loss-of-function variants are known to be pathogenic. Please note: this variant was assessed in the context of healthy population screening.

NM_000289.6(PFKM):c.254del (p.Gly85fs)

Gene: PFKM (phosphofructokinase, muscle; plus strand). Cytogenetic location: 12q13.11.
Variant type: Deletion.
Coding change: c.254del on transcript NM_000289.6 (MANE Select); coding-DNA position 254, one base deleted (G; older notation c.254delG).
Protein change: p.Gly85fs; shifts the reading frame from glycine 85.
Molecular consequence: frameshift variant. On other transcripts: non-coding transcript variant (6).
Genome position (GRCh38, 1-based): chr12:48,132,884, G deleted; the last of 2 consecutive G bases (chr12:48,132,883-48,132,884); deleting either gives the same sequence. VCF-style (leftmost placement, unchanged base first): chr12-48132882-TG-T. GRCh37 (hg19) VCF-style: chr12-48526665-TG-T.
Other names: c.467del, p.Gly156fs (NM_001166686.2, NM_001354737.1, NM_001354738.1 and 2 more transcripts); c.254del, p.Gly85fs (NM_001166687.2, NM_001166688.2, NM_001354742.2 and 4 more transcripts); c.563del, p.Gly188fs (NM_001354735.1, NM_001354736.1); c.398del, p.Gly133fs (NM_001354740.1); c.278del, p.Gly93fs (NM_001354741.2); c.167del, p.Gly56fs (NM_001354745.2); c.104del, p.Gly35fs (NM_001354747.2, NM_001354748.2); short protein forms G133fs, G156fs, G188fs, G35fs, G56fs, G85fs, G93fs.
Identifiers: ClinVar variation 5014430 (VCV005014430.1).